The following is an entry in ClinVar:

ClinVar aggregate classification (germline): Uncertain significance (1 of 4 stars; one submission).

Submission:

Labcorp Genetics (formerly Invitae), Labcorp
Classification: Uncertain significance. Last evaluated: 2022-11-26. Review status: criteria provided, single submitter. Criteria: Invitae Variant Classification Sherloc (09022015). Collection method: clinical testing. Allele origin: germline.
Comment: This sequence change replaces asparagine, which is neutral and polar, with serine, which is neutral and polar, at codon 424 of the CACNA1F protein (p.Asn424Ser). In summary, the available evidence is currently insufficient to determine the role of this variant in disease. Therefore, it has been classified as a Variant of Uncertain Significance. Algorithms developed to predict the effect of missense changes on protein structure and function (SIFT, PolyPhen-2, Align-GVGD) all suggest that this variant is likely to be tolerated. This variant has not been reported in the literature in individuals affected with CACNA1F-related conditions. This variant is not present in population databases (gnomAD no frequency).

NM_001256789.3(CACNA1F):c.1271A>G (p.Asn424Ser)

Gene: CACNA1F (calcium voltage-gated channel subunit alpha1 F; minus strand). Cytogenetic location: Xp11.23.
Variant type: single nucleotide variant.
Coding change: c.1271A>G on transcript NM_001256789.3 (MANE Select); coding-DNA position 1271, A replaced by G.
Protein change: p.Asn424Ser; replaces asparagine 424 with serine.
Molecular consequence: missense variant.
Genome position (GRCh38, 1-based): chrX:49,226,975, T>C on the plus strand (A>G on the coding strand, the complement: CACNA1F is on the minus strand). VCF-style: chrX-49226975-T-C. GRCh37 (hg19) VCF-style: chrX-49083437-T-C.
Other names: c.1076A>G, p.Asn359Ser (NM_001256790.3); c.1271A>G, p.Asn424Ser (NM_005183.4); short protein forms N359S, N424S.
Identifiers: ClinVar variation 2780090 (VCV002780090.3), dbSNP rs782237261, ClinGen allele CA10410920.